The following is an entry in ClinVar:

ClinVar aggregate classification (germline): Likely pathogenic (1 of 4 stars; one submission).

Conditions:
Long chain 3-hydroxyacyl-CoA dehydrogenase deficiency. Also called: Deficiency of long-chain 3-hydroxyacyl-coenzyme A dehydrogenase; LCHAD Deficiency. Identifiers: Orphanet 5, MedGen C3711645, MONDO:0012173, OMIM 609016.

Submission:

Natera, Inc.
Classification: Likely pathogenic for Deficiency of long-chain 3-hydroxyacyl-coenzyme A dehydrogenase. Last evaluated: 2025-05-29. Review status: criteria provided, single submitter. Criteria: Natera Variant Classification Schema (03/2026). Collection method: clinical testing. Allele origin: germline.
Comment: The c.106del variant in HMGCL is a frameshift variant predicted to shift the reading frame beginning at codon 36 and leads to a stop codon 20 codons downstream. This variant is expected to result in nonsense mediated decay, truncation, or a dysfunctional protein product. This variant is rare in the general population with a frequency below the threshold expected for the associated phenotype(s). Given the available evidence, this variant is classified as Likely Pathogenic.

NM_000191.3(HMGCL):c.106del (p.Val36fs)

Gene: HMGCL (3-hydroxy-3-methylglutaryl-CoA lyase; minus strand). Cytogenetic location: 1p36.11.
Variant type: Deletion.
Coding change: c.106del on transcript NM_000191.3 (MANE Select); coding-DNA position 106, one base deleted (G; older notation c.106delG).
Protein change: p.Val36fs; shifts the reading frame from valine 36.
Molecular consequence: frameshift variant.
Genome position (GRCh38, 1-based): chr1:23,820,548, C deleted on the plus strand (G on the coding strand, the reverse complement: HMGCL is on the minus strand). VCF-style (leftmost placement, unchanged base first): chr1-23820547-AC-A. GRCh37 (hg19) VCF-style: chr1-24147037-AC-A.
Other names: c.106del, p.Val36fs (NM_001166059.2); short protein forms V36fs.
Identifiers: ClinVar variation 4069366 (VCV004069366.2).